The following is an entry in ClinVar:

NM_000784.4(CYP27A1):c.702C>T (p.Pro234=)

Gene: CYP27A1 (cytochrome P450 family 27 subfamily A member 1; plus strand). Cytogenetic location: 2q35.
Variant type: single nucleotide variant.
Coding change: c.702C>T on transcript NM_000784.4 (MANE Select); coding-DNA position 702, C replaced by T.
Protein change: p.Pro234=; no amino-acid change (proline 234 retained).
Molecular consequence: synonymous variant.
Genome position (GRCh38, 1-based): chr2:218,812,607, C>T. VCF-style: chr2-218812607-C-T. GRCh37 (hg19) VCF-style: chr2-219677330-C-T.
Identifiers: ClinVar variation 761874 (VCV000761874.20), dbSNP rs371636461, ClinGen allele CA2112697.

ClinVar aggregate classification (germline): Conflicting classifications of pathogenicity. Review status: criteria provided, conflicting classifications (1 of 4 stars). 6 submissions from 6 submitters: Uncertain significance (1); Likely benign (4). 1 of the submissions does not count toward it. Last evaluated 2026-01-06.

Conditions:
CYP27A1-related disorder. Also called: CYP27A1-related condition.
Cardiovascular phenotype. Identifiers: MedGen CN230736.
Cholestanol storage disease (CTX). Also called: CTX: Cerebrotendinous xanthomatosis; CEREBRAL CHOLESTERINOSIS; Cerebrotendinous Xanthomatosis. Identifiers: Orphanet 909, MedGen C0238052, MONDO:0008948, OMIM 213700.

Allele frequency attached by ClinVar (database versions not stated): gnomAD 0.00007; ESP Exome Variant Server 0.00008; TOPMed 0.00010.
gnomAD v4.1: 69 of 1,614,104 alleles (0.0043%); highest among the groups gnomAD compares: Non-Finnish European, 0.0056%; no homozygotes.

Submissions (6):

Labcorp Genetics (formerly Invitae), Labcorp
Classification: Likely benign for Cholestanol storage disease. Last evaluated: 2026-01-06. Review status: criteria provided, single submitter. Criteria: Invitae Variant Classification Sherloc (09022015). Collection method: clinical testing. Allele origin: germline.

PreventionGenetics, part of Exact Sciences
Classification: Likely benign for CYP27A1-related condition. Last evaluated: 2025-03-14. Review status: criteria provided, single submitter. Criteria: ACMG Guidelines, 2015. Collection method: clinical testing. Allele origin: germline.
Comment: This variant is classified as likely benign based on ACMG/AMP sequence variant interpretation guidelines (Richards et al. 2015 PMID: 25741868, with internal and published modifications).

Ambry Genetics
Classification: Likely benign for Cardiovascular phenotype. Last evaluated: 2019-12-29. Review status: criteria provided, single submitter. Criteria: Ambry Variant Classification Scheme 2023. Collection method: clinical testing. Allele origin: germline.

Athena Diagnostics
Classification: Likely benign. Last evaluated: 2019-04-23. Review status: criteria provided, single submitter. Criteria: Athena Diagnostics Criteria. Collection method: clinical testing. Allele origin: germline.

Illumina Laboratory Services, Illumina
Classification: Uncertain significance for Cholestanol storage disease. Last evaluated: 2018-01-12. Review status: criteria provided, single submitter. Criteria: ICSL Variant Classification Criteria 13 December 2019. Collection method: clinical testing. Allele origin: germline.

Natera, Inc.
Classification: Uncertain significance for Cerebrotendinous xanthomatosis. Last evaluated: 2020-01-24. Review status: no assertion criteria provided. Collection method: clinical testing. Allele origin: germline. Not counted in ClinVar's aggregate classification.